The following is an entry in ClinVar:

ClinVar aggregate classification (germline): Uncertain significance (1 of 4 stars; one submission).

Submission:

Laboratory for Molecular Medicine, Mass General Brigham Personalized Medicine
Classification: Uncertain significance. Last evaluated: 2015-08-07. Review status: criteria provided, single submitter. Criteria: LMM Criteria. Collection method: clinical testing. Allele origin: germline. Observed: 1 variant allele.
Comment: proposed classification - variant undergoing re-assessment, contact laboratory

NM_000363.5(TNNI3):c.525G>C (p.Gln175His)

Gene: TNNI3 (troponin I3, cardiac type; minus strand). Cytogenetic location: 19q13.42.
Variant type: single nucleotide variant.
Coding change: c.525G>C on transcript NM_000363.5 (MANE Select); coding-DNA position 525, G replaced by C.
Protein change: p.Gln175His; replaces glutamine 175 with histidine.
Molecular consequence: missense variant.
Genome position (GRCh38, 1-based): chr19:55,154,054, C>G on the plus strand (G>C on the coding strand, the complement: TNNI3 is on the minus strand). VCF-style: chr19-55154054-C-G. GRCh37 (hg19) VCF-style: chr19-55665422-C-G.
Other names: short protein forms Q175H.
Identifiers: ClinVar variation 165514 (VCV000165514.5), dbSNP rs727503502, ClinGen allele CA021816.